The following is an entry in ClinVar:

ClinVar aggregate classification (germline): Uncertain significance (1 of 4 stars; one submission).

Allele frequency attached by ClinVar (database versions not stated): gnomAD exomes 0.00001; ExAC 0.00004; gnomAD 0.00005; ESP Exome Variant Server 0.00008; TOPMed 0.00011.

Submission:

Labcorp Genetics (formerly Invitae), Labcorp
Classification: Uncertain significance. Last evaluated: 2021-12-03. Review status: criteria provided, single submitter. Criteria: Invitae Variant Classification Sherloc (09022015). Collection method: clinical testing. Allele origin: germline.
Comment: In summary, the available evidence is currently insufficient to determine the role of this variant in disease. Therefore, it has been classified as a Variant of Uncertain Significance. Algorithms developed to predict the effect of missense changes on protein structure and function output the following: SIFT: "Not Available"; PolyPhen-2: "Benign"; Align-GVGD: "Not Available". The proline amino acid residue is found in multiple mammalian species, which suggests that this missense change does not adversely affect protein function. This variant has not been reported in the literature in individuals affected with TIMM50-related conditions. The frequency data for this variant in the population databases is considered unreliable, as metrics indicate poor data quality at this position in the gnomAD database. This sequence change replaces serine, which is neutral and polar, with proline, which is neutral and non-polar, at codon 453 of the TIMM50 protein (p.Ser453Pro).

NM_001001563.5(TIMM50):c.1048T>C (p.Ser350Pro)

Gene: TIMM50 (translocase of inner mitochondrial membrane 50; plus strand). Cytogenetic location: 19q13.2.
Variant type: single nucleotide variant.
Coding change: c.1048T>C on transcript NM_001001563.5 (MANE Select); coding-DNA position 1048, T replaced by C.
Protein change: p.Ser350Pro; replaces serine 350 with proline.
Molecular consequence: missense variant.
Genome position (GRCh38, 1-based): chr19:39,489,806, T>C. VCF-style: chr19-39489806-T-C. GRCh37 (hg19) VCF-style: chr19-39980446-T-C.
Other names: c.709T>C, p.Ser237Pro (NM_001329559.2); short protein forms S237P, S350P.
Identifiers: ClinVar variation 1373445 (VCV001373445.6), dbSNP rs143864681, ClinGen allele CA9432062.